The following is an entry in ClinVar:

ClinVar aggregate classification (germline): Uncertain significance (1 of 4 stars; one submission).

gnomAD v4.1: 1 of 1,594,796 alleles (0.000063%); highest among the groups gnomAD compares: Non-Finnish European, 0.000085%; no homozygotes.

Submission:

Labcorp Genetics (formerly Invitae), Labcorp
Classification: Uncertain significance. Last evaluated: 2024-01-05. Review status: criteria provided, single submitter. Criteria: Invitae Variant Classification Sherloc (09022015). Collection method: clinical testing. Allele origin: germline.
Comment: This sequence change falls in intron 9 of the TNNI3K gene. It does not directly change the encoded amino acid sequence of the TNNI3K protein. It affects a nucleotide within the consensus splice site. This variant is not present in population databases (gnomAD no frequency). This variant has not been reported in the literature in individuals affected with TNNI3K-related conditions. Variants that disrupt the consensus splice site are a relatively common cause of aberrant splicing (PMID: 17576681, 9536098). Algorithms developed to predict the effect of sequence changes on RNA splicing suggest that this variant may disrupt the consensus splice site. In summary, the available evidence is currently insufficient to determine the role of this variant in disease. Therefore, it has been classified as a Variant of Uncertain Significance.

Literature cited by the submitters: PubMed 17576681; PubMed 9536098.

NM_015978.3(TNNI3K):c.933-3C>A

Genes: FPGT-TNNI3K (FPGT-TNNI3K readthrough; plus strand), TNNI3K (TNNI3 interacting kinase; plus strand). Cytogenetic location: 1p31.1.
Variant type: single nucleotide variant.
Coding change: c.933-3C>A on transcript NM_015978.3 (MANE Select); 3 bases into the intron before coding-DNA position 933, C replaced by A.
Molecular consequence: intron variant.
Genome position (GRCh38, 1-based): chr1:74,353,263, C>A. VCF-style: chr1-74353263-C-A. GRCh37 (hg19) VCF-style: chr1-74818947-C-A.
Other names: c.1236-3C>A (NM_001112808.3, NM_001199327.2).
Identifiers: ClinVar variation 2997239 (VCV002997239.3), dbSNP rs1661474978, ClinGen allele CA2646213936.